The following is an entry in ClinVar:

NM_024642.5(GALNT12):c.1194C>T (p.Arg398=)

Gene: GALNT12 (polypeptide N-acetylgalactosaminyltransferase 12; plus strand). Cytogenetic location: 9q22.33.
Variant type: single nucleotide variant.
Coding change: c.1194C>T on transcript NM_024642.5 (MANE Select); coding-DNA position 1194, C replaced by T.
Protein change: p.Arg398=; no amino-acid change (arginine 398 retained).
Molecular consequence: synonymous variant.
Genome position (GRCh38, 1-based): chr9:98,837,130, C>T. VCF-style: chr9-98837130-C-T. GRCh37 (hg19) VCF-style: chr9-101599412-C-T.
Identifiers: ClinVar variation 4670611 (VCV004670611.2).

ClinVar aggregate classification (germline): Benign/Likely benign. Review status: criteria provided, multiple submitters, no conflicts (2 of 4 stars). 2 submissions from 2 submitters: Benign (1); Likely benign (1). Last evaluated 2026-04-27.

Conditions:
Colorectal cancer, susceptibility to, 1. Also called: COLORECTAL ADENOMA AND CANCER, SUSCEPTIBILITY TO; COLORECTAL CANCER, SUSCEPTIBILITY TO, ON CHROMOSOME 9. Identifiers: MedGen C1837315, MONDO:0012132, OMIM 608812.

Submissions (2):

Myriad Genetics, Inc.
Classification: Benign for Colorectal cancer, susceptibility to, 1. Last evaluated: 2026-04-27. Review status: criteria provided, single submitter. Criteria: Myriad Autosomal Dominant, Autosomal Recessive and X-Linked Classification Criteria (2023). Collection method: clinical testing. Allele origin: unknown.
Comment: This variant is considered benign. This variant is a silent/synonymous amino acid change and it is not expected to impact splicing.

Ambry Genetics
Classification: Likely benign. Last evaluated: 2025-12-07. Review status: criteria provided, single submitter. Criteria: Ambry Variant Classification Scheme 2023. Collection method: clinical testing. Allele origin: germline.